The following is an entry in ClinVar:

ClinVar aggregate classification (germline): Uncertain significance (1 of 4 stars; one submission).

Submission:

ARUP Laboratories, Molecular Genetics and Genomics, ARUP Laboratories
Classification: Uncertain significance. Last evaluated: 2017-12-12. Review status: criteria provided, single submitter. Criteria: ARUP Molecular Germline Variant Investigation Process. Collection method: clinical testing. Allele origin: germline.
Comment: The p.Glu248Gly variant has not been reported in the medical literature, gene specific variation databases, nor has it been previously identified by our laboratory. It is absent from general population databases such as 1000 Genomes, NHLBI GO Exome Sequencing Project (ESP), and the Genome Aggregation Database (gnomAD). The glutamic acid at position 248 is weakly conserved considering 12 species (Alamut v2.10) and computational analyses of the effects of the p.Glu248Gly variant on protein structure and function provide conflicting results (SIFT: tolerated, MutationTaster: disease causing, PolyPhen-2: benign). Altogether, there is not enough evidence to classify the p.Glu248Gly variant with certainty.

NM_002109.6(HARS1):c.743A>G (p.Glu248Gly)

Gene: HARS1 (histidyl-tRNA synthetase 1; minus strand). Cytogenetic location: 5q31.3.
Variant type: single nucleotide variant.
Coding change: c.743A>G on transcript NM_002109.6 (MANE Select); coding-DNA position 743, A replaced by G.
Protein change: p.Glu248Gly; replaces glutamic acid 248 with glycine.
Molecular consequence: missense variant.
Genome position (GRCh38, 1-based): chr5:140,677,407, T>C on the plus strand (A>G on the coding strand, the complement: HARS1 is on the minus strand). VCF-style: chr5-140677407-T-C. GRCh37 (hg19) VCF-style: chr5-140056992-T-C.
Other names: c.623A>G, p.Glu208Gly (NM_001258040.3); c.683A>G, p.Glu228Gly (NM_001258041.3); c.563A>G, p.Glu188Gly (NM_001258042.3); c.521A>G, p.Glu174Gly (NM_001289092.2); c.401A>G, p.Glu134Gly (NM_001289093.2); c.656A>G, p.Glu219Gly (NM_001289094.2); short protein forms E248G, E134G, E188G, E208G, E174G, E219G, E228G.
Identifiers: ClinVar variation 618672 (VCV000618672.8), dbSNP rs1261330102, ClinGen allele CA361254190.